The following is an entry in ClinVar:

NM_005732.4(RAD50):c.3626C>T (p.Ala1209Val)

Genes: TH2-LCR (Th2 cytokine locus control region; plus strand), TH2LCRR (T helper type 2 locus control region associated RNA; minus strand), RAD50 (RAD50 double strand break repair protein; plus strand). Cytogenetic location: 5q31.1.
Variant type: single nucleotide variant.
Coding change: c.3626C>T on transcript NM_005732.4 (MANE Select); coding-DNA position 3626, C replaced by T.
Protein change: p.Ala1209Val; replaces alanine 1209 with valine.
Molecular consequence: missense variant.
Genome position (GRCh38, 1-based): chr5:132,640,679, C>T. VCF-style: chr5-132640679-C-T. GRCh37 (hg19) VCF-style: chr5-131976371-C-T.
Other names: short protein forms A1209V.
Identifiers: ClinVar variation 142226 (VCV000142226.14), dbSNP rs587782319, ClinGen allele CA167805.

ClinVar aggregate classification (germline): Uncertain significance. Review status: criteria provided, multiple submitters, no conflicts (2 of 4 stars). 2 submissions from 2 submitters: Uncertain significance (2). Last evaluated 2020-07-12.

Conditions:
Hereditary cancer-predisposing syndrome. Also called: Neoplastic Syndromes, Hereditary; Tumor predisposition; Hereditary Cancer Syndrome; Hereditary neoplastic syndrome. Identifiers: Orphanet 140162, MedGen C0027672, MeSH D009386, MONDO:0015356.

Submissions (2):

Labcorp Genetics (formerly Invitae), Labcorp
Classification: Uncertain significance for Hereditary cancer-predisposing syndrome. Last evaluated: 2020-07-12. Review status: criteria provided, single submitter. Criteria: Invitae Variant Classification Sherloc (09022015). Collection method: clinical testing. Allele origin: germline.
Comment: In summary, the available evidence is currently insufficient to determine the role of this variant in disease. Therefore, it has been classified as a Variant of Uncertain Significance. Algorithms developed to predict the effect of missense changes on protein structure and function are either unavailable or do not agree on the potential impact of this missense change (SIFT: "Deleterious"; PolyPhen-2: "Probably Damaging"; Align-GVGD: "Class C0"). This variant has not been reported in the literature in individuals with RAD50-related conditions. ClinVar contains an entry for this variant (Variation ID: 142226). This variant is not present in population databases (ExAC no frequency). This sequence change replaces alanine with valine at codon 1209 of the RAD50 protein (p.Ala1209Val). The alanine residue is highly conserved and there is a small physicochemical difference between alanine and valine.

Ambry Genetics
Classification: Uncertain significance for Hereditary cancer-predisposing syndrome. Last evaluated: 2019-06-28. Review status: criteria provided, single submitter. Criteria: Ambry Variant Classification Scheme 2023. Collection method: clinical testing. Allele origin: germline.
Comment: The p.A1209V variant (also known as c.3626C>T), located in coding exon 24 of the RAD50 gene, results from a C to T substitution at nucleotide position 3626. The alanine at codon 1209 is replaced by valine, an amino acid with similar properties. This amino acid position is highly conserved in available vertebrate species. In addition, this alteration is predicted to be deleterious by in silico analysis. Since supporting evidence is limited at this time, the clinical significance of this alteration remains unclear.